The following is an entry in ClinVar:

ClinVar aggregate classification (germline): Likely benign (1 of 4 stars; one submission).

Submission:

CeGaT Center for Human Genetics Tuebingen
Classification: Likely benign. Last evaluated: 2026-02-01. Review status: criteria provided, single submitter. Criteria: CeGaT Center For Human Genetics Tuebingen Variant Classification Criteria Version 2. Collection method: clinical testing. Allele origin: germline. Affected: yes. Observed: 1 variant allele.
Comment: THSD4: BS1

NM_024817.3(THSD4):c.143GCG[5] (p.Gly51_Ala52insGly)

Gene: THSD4 (thrombospondin type 1 domain containing 4; plus strand). Cytogenetic location: 15q23.
Variant type: Microsatellite.
Coding change: c.143GCG[5] on transcript NM_024817.3 (MANE Select); five copies in a row of the 3-base unit GCG starting at c.143; the reference has four copies in a row; one copy, 3 bases duplicated.
Protein change: p.Gly51_Ala52insGly.
Molecular consequence: inframe insertion.
Genome position (GRCh38, 1-based): chr15:71,215,087-71,215,089, GCG duplicated; duplicating any 3 consecutive bases within chr15:71,215,076-71,215,089 gives the same sequence; the position shown is the placement nearest the transcript's 3' end. VCF-style (leftmost placement, unchanged base first): chr15-71215075-A-ACGG. GRCh37 (hg19) VCF-style: chr15-71507414-A-ACGG.
Other names: c.143GCG[5], p.Gly51_Ala52insGly (NM_001394532.1).
Identifiers: ClinVar variation 4821445 (VCV004821445.4).